The following is an entry in ClinVar:

NM_012258.4(HEY1):c.384G>A (p.Arg128=)

Gene: HEY1 (hes related family bHLH transcription factor with YRPW motif 1; minus strand). Cytogenetic location: 8q21.13.
Variant type: single nucleotide variant.
Coding change: c.384G>A on transcript NM_012258.4 (MANE Select); coding-DNA position 384, G replaced by A.
Protein change: p.Arg128=; no amino-acid change (arginine 128 retained).
Molecular consequence: synonymous variant.
Genome position (GRCh38, 1-based): chr8:79,765,719, C>T on the plus strand (G>A on the coding strand, the complement: HEY1 is on the minus strand). VCF-style: chr8-79765719-C-T. GRCh37 (hg19) VCF-style: chr8-80677954-C-T.
Other names: c.396G>A, p.Arg132= (NM_001040708.2); c.114G>A, p.Arg38= (NM_001282851.2).
Identifiers: ClinVar variation 3058622 (VCV003058622.2), dbSNP rs370441900, ClinGen allele CA4789705.

ClinVar aggregate classification (germline): Likely benign (0 of 4 stars; one submission).

Conditions:
HEY1-related disorder. Also called: HEY1-related condition.

Allele frequency attached by ClinVar (database versions not stated): ExAC 0.00001; gnomAD exomes 0.00001; gnomAD 0.00003; ESP Exome Variant Server 0.00008; TOPMed 0.00008.
gnomAD v4.1: 14 of 1,614,026 alleles (0.00087%); highest among the groups gnomAD compares: African/African-American, 0.019%; no homozygotes.

Submission:

PreventionGenetics, part of Exact Sciences
Classification: Likely benign for HEY1-related condition. Last evaluated: 2019-03-21. Review status: no assertion criteria provided. Collection method: clinical testing. Allele origin: germline.
Comment: This variant is classified as likely benign based on ACMG/AMP sequence variant interpretation guidelines (Richards et al. 2015 PMID: 25741868, with internal and published modifications).